The following is an entry in ClinVar:

ClinVar aggregate classification (germline): Uncertain significance. Review status: criteria provided, multiple submitters, no conflicts (2 of 4 stars). 2 submissions from 2 submitters: Uncertain significance (2). Last evaluated 2024-03-09.

Conditions:
Charcot-Marie-Tooth disease type 2. Also called: Charcot-Marie-Tooth type 2. Identifiers: Orphanet 64746, MedGen C0270914, MONDO:0018993.

Allele frequency attached by ClinVar (database versions not stated): gnomAD exomes below 0.00001; gnomAD 0.00001.
gnomAD v4.1: 2 of 1,613,698 alleles (0.00012%); highest among the groups gnomAD compares: Non-Finnish European, 0.00017%; no homozygotes.

Submissions (2):

Ambry Genetics
Classification: Uncertain significance. Last evaluated: 2024-03-09. Review status: criteria provided, single submitter. Criteria: Ambry Variant Classification Scheme 2023. Collection method: clinical testing. Allele origin: germline.
Comment: The p.V1314M variant (also known as c.3940G>A), located in coding exon 36 of the KIF1B gene, results from a G to A substitution at nucleotide position 3940. The valine at codon 1314 is replaced by methionine, an amino acid with highly similar properties. This amino acid position is conserved. In addition, the in silico prediction for this alteration is inconclusive. Based on the available evidence, the clinical significance of this alteration remains unclear.

Labcorp Genetics (formerly Invitae), Labcorp
Classification: Uncertain significance for Charcot-Marie-Tooth disease type 2. Last evaluated: 2017-09-19. Review status: criteria provided, single submitter. Criteria: Invitae Variant Classification Sherloc (09022015). Collection method: clinical testing. Allele origin: germline.
Comment: This variant is not present in population databases (ExAC no frequency). This sequence change replaces valine with methionine at codon 1314 of the KIF1B protein (p.Val1314Met). The valine residue is moderately conserved and there is a small physicochemical difference between valine and methionine. This variant has not been reported in the literature in individuals with KIF1B-related disease. Algorithms developed to predict the effect of missense changes on protein structure and function (SIFT, PolyPhen-2, Align-GVGD) all suggest that this variant is likely to be tolerated, but these predictions have not been confirmed by published functional studies and their clinical significance is uncertain. In summary, the available evidence is currently insufficient to determine the role of this variant in disease. Therefore, it has been classified as a Variant of Uncertain Significance.

NM_001365951.3(KIF1B):c.4078G>A (p.Val1360Met)

Gene: KIF1B (kinesin family member 1B; plus strand). Cytogenetic location: 1p36.22.
Variant type: single nucleotide variant.
Coding change: c.4078G>A on transcript NM_001365951.3 (MANE Select); coding-DNA position 4078, G replaced by A.
Protein change: p.Val1360Met; replaces valine 1360 with methionine.
Molecular consequence: missense variant.
Genome position (GRCh38, 1-based): chr1:10,360,951, G>A. VCF-style: chr1-10360951-G-A. GRCh37 (hg19) VCF-style: chr1-10421009-G-A.
Other names: c.4078G>A, p.Val1360Met (NM_001365952.1); c.3940G>A, p.Val1314Met (NM_015074.3); short protein forms V1314M, V1360M.
Identifiers: ClinVar variation 543164 (VCV000543164.9), dbSNP rs1553170068, ClinGen allele CA338315782.